The following is an entry in ClinVar:

NM_001298.3(CNGA3):c.79_90del (p.Arg27_Asn30del)

Gene: CNGA3 (cyclic nucleotide gated channel subunit alpha 3; plus strand). Cytogenetic location: 2q11.2.
Variant type: Deletion.
Coding change: c.79_90del on transcript NM_001298.3 (MANE Select); coding-DNA positions 79 to 90, 12 bases deleted (CGCGCTGAAAAT).
Protein change: p.Arg27_Asn30del.
Molecular consequence: inframe deletion.
Genome position (GRCh38, 1-based): chr2:98,370,054-98,370,065, CGCGCTGAAAAT deleted; deleting any 12 consecutive bases within chr2:98,370,051-98,370,065 gives the same sequence; the c. name uses the placement nearest the transcript's 3' end. VCF-style (leftmost placement, unchanged base first): chr2-98370050-CAATCGCGCTGAA-C. GRCh37 (hg19) VCF-style: chr2-98986513-CAATCGCGCTGAA-C.
Other names: c.79_90del, p.Arg27_Asn30del (NM_001079878.2); c.79_90del12 (NM_001298.2).
Identifiers: ClinVar variation 1421782 (VCV001421782.9), dbSNP rs1692251127, ClinGen allele CA1273407285.
Genomic context (GRCh38, chr2:98,370,050, plus strand): 5'-CACCCAATACTCCCACCCCTCCAGGACCCACCTCAAGGTAAAGACCTCAGACCGAGATCT[CAATCGCGCTGAA>C]AATGGCCTCAGCAGGTAAGATGGGCTAAGATGGGCTTTTCATTTTATGCCTGGCTCTGGT-3'

ClinVar aggregate classification (germline): Uncertain significance. Review status: criteria provided, multiple submitters, no conflicts (2 of 4 stars). 2 submissions from 2 submitters: Uncertain significance (2). Last evaluated 2025-11-14.

Conditions:
CNGA3-related disorder. Also called: CNGA3-related condition.

Submissions (2):

PreventionGenetics, part of Exact Sciences
Classification: Uncertain significance for CNGA3-related condition. Last evaluated: 2025-11-14. Review status: criteria provided, single submitter. Criteria: ACMG Guidelines, 2015. Collection method: clinical testing. Allele origin: germline.
Comment: The CNGA3 c.79_90del12 variant is predicted to result in an in-frame deletion (p.Arg27_Asn30del). To our knowledge, this variant has not been reported in the literature or in a large population database (gnomAD), indicating this variant is rare. At this time, the clinical significance of this variant is uncertain due to the absence of conclusive functional and genetic evidence.

Labcorp Genetics (formerly Invitae), Labcorp
Classification: Uncertain significance. Last evaluated: 2025-04-16. Review status: criteria provided, single submitter. Criteria: Invitae Variant Classification Sherloc (09022015). Collection method: clinical testing. Allele origin: germline.
Comment: This variant, c.79_90del, results in the deletion of 4 amino acid(s) of the CNGA3 protein (p.Arg27_Asn30del), but otherwise preserves the integrity of the reading frame. This variant is not present in population databases (gnomAD no frequency). This variant has not been reported in the literature in individuals affected with CNGA3-related conditions. ClinVar contains an entry for this variant (Variation ID: 1421782). Experimental studies and prediction algorithms are not available or were not evaluated, and the functional significance of this variant is currently unknown. In summary, the available evidence is currently insufficient to determine the role of this variant in disease. Therefore, it has been classified as a Variant of Uncertain Significance.